The following is an entry in ClinVar:

ClinVar aggregate classification (germline): Uncertain significance (1 of 4 stars; one submission).

Conditions:
Familial cancer of breast. Also called: hereditary breast carcinoma; Hereditary breast cancer; BREAST CANCER, FAMILIAL. Identifiers: Orphanet 227535, MedGen C0346153, MONDO:0016419, OMIM 114480. Disease mechanism: loss of function.

gnomAD v4.1: 1 of 1,588,552 alleles (0.000063%); highest among the groups gnomAD compares: Non-Finnish European, 0.000086%; no homozygotes.

Submission:

Labcorp Genetics (formerly Invitae), Labcorp
Classification: Uncertain significance for Familial cancer of breast. Last evaluated: 2023-07-18. Review status: criteria provided, single submitter. Criteria: Invitae Variant Classification Sherloc (09022015). Collection method: clinical testing. Allele origin: germline.
Comment: This sequence change replaces methionine, which is neutral and non-polar, with arginine, which is basic and polar, at codon 222 of the CHEK2 protein (p.Met222Arg). This variant is not present in population databases (gnomAD no frequency). This variant has not been reported in the literature in individuals affected with CHEK2-related conditions. An algorithm developed to predict the effect of missense changes on protein structure and function (PolyPhen-2) suggests that this variant is likely to be tolerated. In summary, the available evidence is currently insufficient to determine the role of this variant in disease. Therefore, it has been classified as a Variant of Uncertain Significance.

NM_007194.4(CHEK2):c.665T>G (p.Met222Arg)

Gene: CHEK2 (checkpoint kinase 2; minus strand). Cytogenetic location: 22q12.1.
Variant type: single nucleotide variant.
Coding change: c.665T>G on transcript NM_007194.4 (MANE Select); coding-DNA position 665, T replaced by G.
Protein change: p.Met222Arg; replaces methionine 222 with arginine.
Molecular consequence: missense variant. On other transcripts: initiator codon variant (2), intron variant (1).
Genome position (GRCh38, 1-based): chr22:28,719,413, A>C on the plus strand (T>G on the coding strand, the complement: CHEK2 is on the minus strand). VCF-style: chr22-28719413-A-C. GRCh37 (hg19) VCF-style: chr22-29115401-A-C.
Other names: c.794T>G, p.Met265Arg (NM_001005735.3, NM_001438294.1); c.2T>G, p.Met1Arg (NM_001257387.3, NM_001437942.1); c.758T>G, p.Met253Arg (NM_001438293.1, NM_001438295.1); c.665T>G, p.Met222Arg (NM_145862.3); c.482+5473T>G (NM_001349956.3); short protein forms M1R, M265R, M222R, M253R.
Identifiers: ClinVar variation 2744858 (VCV002744858.3), dbSNP rs775134484, ClinGen allele CA411104896.